The following is an entry in ClinVar:

NM_001999.4(FBN2):c.5604C>G (p.Ile1868Met)

Gene: FBN2 (fibrillin 2; minus strand). Cytogenetic location: 5q23.3.
Variant type: single nucleotide variant.
Coding change: c.5604C>G on transcript NM_001999.4 (MANE Select); coding-DNA position 5604, C replaced by G.
Protein change: p.Ile1868Met; replaces isoleucine 1868 with methionine.
Molecular consequence: missense variant.
Genome position (GRCh38, 1-based): chr5:128,305,581, G>C on the plus strand (C>G on the coding strand, the complement: FBN2 is on the minus strand). VCF-style: chr5-128305581-G-C. GRCh37 (hg19) VCF-style: chr5-127641273-G-C.
Other names: short protein forms I1868M.
Identifiers: ClinVar variation 4740689 (VCV004740689.1).

ClinVar aggregate classification (germline): Uncertain significance (1 of 4 stars; one submission).

Conditions:
Congenital contractural arachnodactyly (CCA). Also called: BEALS SYNDROME; Arthrogryposis, distal, type 9; Beals-Hecht syndrome. Identifiers: Orphanet 115, MedGen C0220668, MONDO:0007363, OMIM 121050.

Submission:

Labcorp Genetics (formerly Invitae), Labcorp
Classification: Uncertain significance for Congenital contractural arachnodactyly. Last evaluated: 2025-05-05. Review status: criteria provided, single submitter. Criteria: Invitae Variant Classification Sherloc (09022015). Collection method: clinical testing. Allele origin: germline.
Comment: This sequence change replaces isoleucine, which is neutral and non-polar, with methionine, which is neutral and non-polar, at codon 1868 of the FBN2 protein (p.Ile1868Met). This variant is not present in population databases (gnomAD no frequency). This variant has not been reported in the literature in individuals affected with FBN2-related conditions. Invitae Evidence Modeling of protein sequence and biophysical properties (such as structural, functional, and spatial information, amino acid conservation, physicochemical variation, residue mobility, and thermodynamic stability) indicates that this missense variant is not expected to disrupt FBN2 protein function with a negative predictive value of 80%. In summary, the available evidence is currently insufficient to determine the role of this variant in disease. Therefore, it has been classified as a Variant of Uncertain Significance.